The following is an entry in ClinVar:

NM_024422.6(DSC2):c.1478A>G (p.Tyr493Cys)

Gene: DSC2 (desmocollin 2; minus strand). Cytogenetic location: 18q12.1.
Variant type: single nucleotide variant.
Coding change: c.1478A>G on transcript NM_024422.6 (MANE Select); coding-DNA position 1478, A replaced by G.
Protein change: p.Tyr493Cys; replaces tyrosine 493 with cysteine.
Molecular consequence: missense variant.
Genome position (GRCh38, 1-based): chr18:31,080,138, T>C on the plus strand (A>G on the coding strand, the complement: DSC2 is on the minus strand). VCF-style: chr18-31080138-T-C. GRCh37 (hg19) VCF-style: chr18-28660104-T-C.
Other names: c.1478A>G, p.Tyr493Cys (NM_004949.5); short protein forms Y493C.
Identifiers: ClinVar variation 926289 (VCV000926289.9), dbSNP rs1987162049, ClinGen allele CA402108415.

ClinVar aggregate classification (germline): Uncertain significance. Review status: criteria provided, multiple submitters, no conflicts (2 of 4 stars). 3 submissions from 3 submitters: Uncertain significance (3). Last evaluated 2023-12-04.

Conditions:
Familial isolated arrhythmogenic right ventricular dysplasia. Identifiers: Orphanet 217656, MedGen C4274968, MONDO:0016342.
Arrhythmogenic right ventricular dysplasia 11. Also called: ARRHYTHMOGENIC RIGHT VENTRICULAR DYSPLASIA, FAMILIAL, 11; Arrhythmogenic Right Ventricular Dysplasia/Cardiomyopathy11; Arrhythmogenic right ventricular dysplasia 11 with mild palmoplantar keratoderma and woolly hair. Identifiers: MedGen C1864850, MONDO:0012506, OMIM 610476.
Cardiomyopathy (CMYO). Also called: Cardiomyopathies. Identifiers: Orphanet 167848, MedGen C0878544, MONDO:0004994, HP:0001638. Inheritance: Various modes of inheritance.

Allele frequency attached by ClinVar (database versions not stated): TOPMed below 0.00001.

Submissions (3):

Color Diagnostics, LLC DBA Color Health
Classification: Uncertain significance for Cardiomyopathy. Last evaluated: 2023-12-04. Review status: criteria provided, single submitter. Criteria: ACMG Guidelines, 2015. Collection method: clinical testing. Allele origin: germline.
Comment: This missense variant replaces tyrosine with cysteine at codon 493 of the DSC2 protein. Computational prediction tools and conservation analyses are inconclusive regarding the impact of this variant on protein function. Computational splicing tools suggest that this variant may not impact RNA splicing. To our knowledge, functional assays have not been performed for this variant nor has this variant been reported in individuals affected with cardiovascular disorders in the literature. This variant has not been identified in the general population by the Genome Aggregation Database (gnomAD). Available evidence is insufficient to determine the role of this variant in disease conclusively. Therefore, this variant is classified as a Variant of Uncertain Significance.

All of Us Research Program, National Institutes of Health
Classification: Uncertain significance for Familial isolated arrhythmogenic right ventricular dysplasia. Last evaluated: 2023-08-15. Review status: criteria provided, single submitter. Criteria: ACMG Guidelines, 2015. Collection method: clinical testing. Allele origin: germline. Inheritance: Autosomal dominant inheritance. Observed: 1 variant allele, 1 heterozygote.
Comment: This missense variant replaces tyrosine with cysteine at codon 493 of the DSC2 protein. Computational prediction tools and conservation analyses are inconclusive regarding the impact of this variant on protein function. Computational splicing tools suggest that this variant may not impact RNA splicing. To our knowledge, functional assays have not been performed for this variant nor has this variant been reported in individuals affected with cardiovascular disorders in the literature. This variant has not been identified in the general population by the Genome Aggregation Database (gnomAD). Available evidence is insufficient to determine the role of this variant in disease conclusively. Therefore, this variant is classified as a Variant of Uncertain Significance.

This study involves interpretation of variants in research participants for the purpose of population health screening. Participant phenotype was not available at the time of variant classification. Additional details can be found in publication PMID: 35346344, PMCID: PMC8962531

Labcorp Genetics (formerly Invitae), Labcorp
Classification: Uncertain significance for Arrhythmogenic right ventricular dysplasia 11. Last evaluated: 2022-12-14. Review status: criteria provided, single submitter. Criteria: Invitae Variant Classification Sherloc (09022015). Collection method: clinical testing. Allele origin: germline.
Comment: In summary, the available evidence is currently insufficient to determine the role of this variant in disease. Therefore, it has been classified as a Variant of Uncertain Significance. Advanced modeling of protein sequence and biophysical properties (such as structural, functional, and spatial information, amino acid conservation, physicochemical variation, residue mobility, and thermodynamic stability) performed at Invitae indicates that this missense variant is not expected to disrupt DSC2 protein function. ClinVar contains an entry for this variant (Variation ID: 926289). This variant has not been reported in the literature in individuals affected with DSC2-related conditions. This variant is not present in population databases (gnomAD no frequency). This sequence change replaces tyrosine, which is neutral and polar, with cysteine, which is neutral and slightly polar, at codon 493 of the DSC2 protein (p.Tyr493Cys).